The following is an entry in ClinVar:

ClinVar aggregate classification (germline): Uncertain significance (1 of 4 stars; one submission).

Conditions:
Developmental and epileptic encephalopathy, 31A. Also called: Epileptic encephalopathy, early infantile, 31; Developmental and epileptic encephalopathy, 31. Identifiers: Orphanet 2382, MedGen C4225357, MONDO:0014598, OMIM 616346.

Submission:

Labcorp Genetics (formerly Invitae), Labcorp
Classification: Uncertain significance for Developmental and epileptic encephalopathy, 31A. Last evaluated: 2024-04-30. Review status: criteria provided, single submitter. Criteria: Invitae Variant Classification Sherloc (09022015). Collection method: clinical testing. Allele origin: germline.
Comment: This sequence change replaces serine, which is neutral and polar, with arginine, which is basic and polar, at codon 751 of the DNM1 protein (p.Ser751Arg). This variant is not present in population databases (gnomAD no frequency). This variant has not been reported in the literature in individuals affected with DNM1-related conditions. Advanced modeling of protein sequence and biophysical properties (such as structural, functional, and spatial information, amino acid conservation, physicochemical variation, residue mobility, and thermodynamic stability) has been performed at Invitae for this missense variant, however the output from this modeling did not meet the statistical confidence thresholds required to predict the impact of this variant on DNM1 protein function. In summary, the available evidence is currently insufficient to determine the role of this variant in disease. Therefore, it has been classified as a Variant of Uncertain Significance.

NM_004408.4(DNM1):c.2251A>C (p.Ser751Arg)

Gene: DNM1 (dynamin 1; plus strand). Cytogenetic location: 9q34.11.
Variant type: single nucleotide variant.
Coding change: c.2251A>C on transcript NM_004408.4 (MANE Select); coding-DNA position 2251, A replaced by C.
Protein change: p.Ser751Arg; replaces serine 751 with arginine.
Molecular consequence: missense variant.
Genome position (GRCh38, 1-based): chr9:128,250,289, A>C. VCF-style: chr9-128250289-A-C. GRCh37 (hg19) VCF-style: chr9-131012568-A-C.
Other names: c.2251A>C, p.Ser751Arg (NM_001005336.3, NM_001288737.2, NM_001288738.2 and 2 more transcripts); short protein forms S751R.
Identifiers: ClinVar variation 2850971 (VCV002850971.3), dbSNP rs2539123405, ClinGen allele CA375001095.